The following is an entry in ClinVar:

NM_000545.8(HNF1A):c.1123G>A (p.Gly375Ser)

Gene: HNF1A (HNF1 homeobox A; plus strand). Cytogenetic location: 12q24.31.
Variant type: single nucleotide variant.
Coding change: c.1123G>A on transcript NM_000545.8 (MANE Select); coding-DNA position 1123, G replaced by A.
Protein change: p.Gly375Ser; replaces glycine 375 with serine.
Molecular consequence: missense variant.
Genome position (GRCh38, 1-based): chr12:120,996,556, G>A. VCF-style: chr12-120996556-G-A. GRCh37 (hg19) VCF-style: chr12-121434359-G-A.
Other names: c.1123G>A, p.Gly375Ser (NM_001306179.2, NM_001406915.1); short protein forms G375S.
Identifiers: ClinVar variation 3693473 (VCV003693473.2).

ClinVar aggregate classification (germline): Uncertain significance (1 of 4 stars; one submission).

Submission:

Labcorp Genetics (formerly Invitae), Labcorp
Classification: Uncertain significance. Last evaluated: 2024-03-28. Review status: criteria provided, single submitter. Criteria: Invitae Variant Classification Sherloc (09022015). Collection method: clinical testing. Allele origin: germline.
Comment: This sequence change replaces glycine, which is neutral and non-polar, with serine, which is neutral and polar, at codon 375 of the HNF1A protein (p.Gly375Ser). This variant is not present in population databases (gnomAD no frequency). This variant has not been reported in the literature in individuals affected with HNF1A-related conditions. Advanced modeling of protein sequence and biophysical properties (such as structural, functional, and spatial information, amino acid conservation, physicochemical variation, residue mobility, and thermodynamic stability) performed at Invitae indicates that this missense variant is not expected to disrupt HNF1A protein function with a negative predictive value of 80%. In summary, the available evidence is currently insufficient to determine the role of this variant in disease. Therefore, it has been classified as a Variant of Uncertain Significance.